The following is an entry in ClinVar:

ClinVar aggregate classification (germline): Uncertain significance (1 of 4 stars; one submission).

Allele frequency attached by ClinVar (database versions not stated): gnomAD exomes 0.00001; TOPMed 0.00002; gnomAD 0.00003.
gnomAD v4.1: 17 of 1,607,456 alleles (0.0011%); highest among the groups gnomAD compares: Admixed American, 0.0034%; no homozygotes.

Submission:

Labcorp Genetics (formerly Invitae), Labcorp
Classification: Uncertain significance. Last evaluated: 2025-04-23. Review status: criteria provided, single submitter. Criteria: Invitae Variant Classification Sherloc (09022015). Collection method: clinical testing. Allele origin: germline.
Comment: This sequence change replaces threonine, which is neutral and polar, with methionine, which is neutral and non-polar, at codon 586 of the RIMS1 protein (p.Thr586Met). The frequency data for this variant in the population databases is considered unreliable, as metrics indicate poor data quality at this position in the gnomAD database. This variant has not been reported in the literature in individuals affected with RIMS1-related conditions. ClinVar contains an entry for this variant (Variation ID: 1018079). An algorithm developed to predict the effect of missense changes on protein structure and function (PolyPhen-2) suggests that this variant is likely to be disruptive. In summary, the available evidence is currently insufficient to determine the role of this variant in disease. Therefore, it has been classified as a Variant of Uncertain Significance.

NM_014989.7(RIMS1):c.1757C>T (p.Thr586Met)

Gene: RIMS1 (regulating synaptic membrane exocytosis 1; plus strand). Cytogenetic location: 6q13.
Variant type: single nucleotide variant.
Coding change: c.1757C>T on transcript NM_014989.7 (MANE Select); coding-DNA position 1757, C replaced by T.
Protein change: p.Thr586Met; replaces threonine 586 with methionine.
Molecular consequence: missense variant. On other transcripts: 5 prime UTR variant (9).
Genome position (GRCh38, 1-based): chr6:72,235,628, C>T. VCF-style: chr6-72235628-C-T. GRCh37 (hg19) VCF-style: chr6-72945331-C-T.
Other names: c.179C>T, p.Thr60Met (NM_001168407.2, NM_001168408.2, NM_001350414.2 and 37 more transcripts); c.-65C>T (NM_001168409.2, NM_001350461.2, NM_001350463.2 and 6 more transcripts); c.134C>T, p.Thr45Met (NM_001168410.2, NM_001350470.2, NM_001350472.2 and 2 more transcripts); c.110C>T, p.Thr37Met (NM_001350421.2, NM_001350424.2, NM_001350428.2 and 6 more transcripts); short protein forms T37M, T45M, T586M, T60M.
Identifiers: ClinVar variation 1018079 (VCV001018079.8), dbSNP rs1184964123, ClinGen allele CA364823498.